The following is an entry in ClinVar:

ClinVar aggregate classification (germline): Uncertain significance. Review status: criteria provided, multiple submitters, no conflicts (2 of 4 stars). 2 submissions from 2 submitters: Uncertain significance (2). Last evaluated 2022-06-24.

Conditions:
Autosomal recessive limb-girdle muscular dystrophy type 2U. Also called: MUSCULAR DYSTROPHY, LIMB-GIRDLE, TYPE 2U; Muscular dystrophy-dystroglycanopathy (limb-girdle), type c, 7. Identifiers: Orphanet 352479, MedGen C5190987, MONDO:0014474, OMIM 616052.
Muscular dystrophy-dystroglycanopathy (congenital with brain and eye anomalies), type A, 7. Also called: WALKER-WARBURG SYNDROME OR MUSCLE-EYE-BRAIN DISEASE, ISPD-RELATED; Congenital muscular dystrophy-dystroglycanopathy with brain and eye anomalies, type A7. Identifiers: Orphanet 899, MedGen C3553330, MONDO:0013835, OMIM 614643.

Allele frequency attached by ClinVar (database versions not stated): gnomAD exomes below 0.00001.
gnomAD v4.1: 1 of 1,613,238 alleles (0.000062%); highest among the groups gnomAD compares: Admixed American, 0.0017%; no homozygotes.

Submissions (2):

Labcorp Genetics (formerly Invitae), Labcorp
Classification: Uncertain significance for Muscular dystrophy-dystroglycanopathy (congenital with brain and eye anomalies), type A, 7; Autosomal recessive limb-girdle muscular dystrophy type 2U. Last evaluated: 2022-06-24. Review status: criteria provided, single submitter. Criteria: Invitae Variant Classification Sherloc (09022015). Collection method: clinical testing. Allele origin: germline.
Comment: This sequence change replaces tyrosine, which is neutral and polar, with phenylalanine, which is neutral and non-polar, at codon 201 of the ISPD protein (p.Tyr201Phe). This variant is present in population databases (no rsID available, gnomAD 0.003%). This variant has not been reported in the literature in individuals affected with ISPD-related conditions. ClinVar contains an entry for this variant (Variation ID: 499201). Algorithms developed to predict the effect of missense changes on protein structure and function are either unavailable or do not agree on the potential impact of this missense change (SIFT: "Deleterious"; PolyPhen-2: "Benign"; Align-GVGD: "Class C0"). In summary, the available evidence is currently insufficient to determine the role of this variant in disease. Therefore, it has been classified as a Variant of Uncertain Significance.

Eurofins Ntd Llc (ga)
Classification: Uncertain significance. Last evaluated: 2016-12-28. Review status: criteria provided, single submitter. Criteria: EGL Classification Definitions 2015. Collection method: clinical testing. Allele origin: germline. Observed: 1 variant allele, 1 heterozygote.

NM_001101426.4(CRPPA):c.602A>T (p.Tyr201Phe)

Gene: CRPPA (CDP-L-ribitol pyrophosphorylase A; minus strand). Cytogenetic location: 7p21.2.
Variant type: single nucleotide variant.
Coding change: c.602A>T on transcript NM_001101426.4 (MANE Select); coding-DNA position 602, A replaced by T.
Protein change: p.Tyr201Phe; replaces tyrosine 201 with phenylalanine.
Molecular consequence: missense variant. On other transcripts: non-coding transcript variant (1), intron variant (1).
Genome position (GRCh38, 1-based): chr7:16,376,174, T>A on the plus strand (A>T on the coding strand, the complement: CRPPA is on the minus strand). VCF-style: chr7-16376174-T-A. GRCh37 (hg19) VCF-style: chr7-16415799-T-A.
Other names: c.602A>T, p.Tyr201Phe (NM_001368197.1); c.534+29887A>T (NM_001101417.4); short protein forms Y201F.
Identifiers: ClinVar variation 499201 (VCV000499201.9), dbSNP rs1198960792, ClinGen allele CA367002098.